The following is an entry in ClinVar:

ClinVar aggregate classification (germline): Conflicting classifications of pathogenicity. Review status: criteria provided, conflicting classifications (1 of 4 stars). 7 submissions from 7 submitters: Uncertain significance (2); Benign (1); Likely benign (3). 1 of the submissions does not count toward it. Last evaluated 2026-01-27.

Conditions:
ASPM-related disorder. Also called: ASPM-related condition.
Inborn genetic diseases. Identifiers: MedGen C0950123, MeSH D030342.
Microcephaly 5, primary, autosomal recessive (MCPH5). Also called: ASPM Primary Microcephaly. Identifiers: Orphanet 2512, MedGen C1837501, MONDO:0012106, OMIM 608716.

Allele frequency attached by ClinVar (database versions not stated): gnomAD exomes 0.00010 and 0.00031; 1000 Genomes Project 30x 0.00016; 1000 Genomes Project 0.00020; ExAC 0.00042; gnomAD 0.00101 and 0.00109; TOPMed 0.00126; ESP Exome Variant Server 0.00146.
gnomAD v4.1: 308 of 1,612,834 alleles (0.019%); highest among the groups gnomAD compares: African/African-American, 0.32%; no homozygotes.

Submissions (7):

Labcorp Genetics (formerly Invitae), Labcorp
Classification: Likely benign. Last evaluated: 2026-01-27. Review status: criteria provided, single submitter. Criteria: Invitae Variant Classification Sherloc (09022015). Collection method: clinical testing. Allele origin: germline.

Ambry Genetics
Classification: Likely benign for Inborn genetic diseases. Last evaluated: 2021-10-13. Review status: criteria provided, single submitter. Criteria: Ambry Variant Classification Scheme 2023. Collection method: clinical testing. Allele origin: germline.

Revvity Omics, Revvity
Classification: Uncertain significance for Microcephaly 5, primary, autosomal recessive. Last evaluated: 2019-04-10. Review status: criteria provided, single submitter. Criteria: ACMG Guidelines, 2015. Collection method: clinical testing. Allele origin: germline.

Athena Diagnostics
Classification: Benign. Last evaluated: 2018-11-29. Review status: criteria provided, single submitter. Criteria: Athena Diagnostics Criteria. Collection method: clinical testing. Allele origin: germline.

Eurofins Ntd Llc (ga)
Classification: Likely benign. Last evaluated: 2015-04-14. Review status: criteria provided, single submitter. Criteria: EGL Classification Definitions 2015. Collection method: clinical testing. Allele origin: germline. Observed: 1 variant allele, 1 heterozygote.

Genetic Services Laboratory, University of Chicago
Classification: Uncertain significance for Microcephaly 5, primary, autosomal recessive. Last evaluated: 2013-02-08. Review status: criteria provided, single submitter. Criteria: ACMG Guidelines, 2007. Collection method: clinical testing. Allele origin: germline. Inheritance: Autosomal recessive inheritance.

PreventionGenetics, part of Exact Sciences
Classification: Likely benign for ASPM-related condition. Last evaluated: 2022-10-19. Review status: no assertion criteria provided. Collection method: clinical testing. Allele origin: germline. Not counted in ClinVar's aggregate classification.
Comment: This variant is classified as likely benign based on ACMG/AMP sequence variant interpretation guidelines (Richards et al. 2015 PMID: 25741868, with internal and published modifications).

Literature cited by the submitters: PubMed 23611254 (cited by Athena Diagnostics).

NM_018136.5(ASPM):c.6125A>G (p.Asp2042Gly)

Gene: ASPM (assembly factor for spindle microtubules; minus strand). Cytogenetic location: 1q31.3.
Variant type: single nucleotide variant.
Coding change: c.6125A>G on transcript NM_018136.5 (MANE Select); coding-DNA position 6125, A replaced by G.
Protein change: p.Asp2042Gly; replaces aspartic acid 2042 with glycine.
Molecular consequence: missense variant. On other transcripts: intron variant (1).
Genome position (GRCh38, 1-based): chr1:197,103,126, T>C on the plus strand (A>G on the coding strand, the complement: ASPM is on the minus strand). VCF-style: chr1-197103126-T-C. GRCh37 (hg19) VCF-style: chr1-197072256-T-C.
Other names: c.4066-6962A>G (NM_001206846.2); short protein forms D2042G.
Identifiers: ClinVar variation 157850 (VCV000157850.24), dbSNP rs150327858, ClinGen allele CA201406.